The following is an entry in ClinVar:

ClinVar aggregate classification (germline): Conflicting classifications of pathogenicity. Review status: criteria provided, conflicting classifications (1 of 4 stars). 16 submissions from 16 submitters: Uncertain significance (4); Benign (3); Likely benign (6). 3 of the submissions do not count toward it. Last evaluated 2026-02-01.

Conditions:
Inborn genetic diseases. Identifiers: MedGen C0950123, MeSH D030342.
Cohen syndrome (COH1). Also called: PEPPER SYNDROME; Cutis verticis gyrata, retinitis pigmentosa, and sensorineural deafness. Identifiers: Orphanet 193, MedGen C0265223, MONDO:0008999, OMIM 216550.

Allele frequency attached by ClinVar (database versions not stated): gnomAD 0.00068 and 0.00070; ESP Exome Variant Server 0.00077; 1000 Genomes Project 30x 0.00078; TOPMed 0.00079; gnomAD exomes 0.00080 and 0.00117; 1000 Genomes Project 0.00080; ExAC 0.00095.
gnomAD v4.1: 1,306 of 1,613,770 alleles (0.081%); highest among the groups gnomAD compares: Middle Eastern, 0.71%; 4 homozygotes.

Submissions (16):

Labcorp Genetics (formerly Invitae), Labcorp
Classification: Benign for Cohen syndrome. Last evaluated: 2026-02-01. Review status: criteria provided, single submitter. Criteria: Invitae Variant Classification Sherloc (09022015). Collection method: clinical testing. Allele origin: germline.

Mayo Clinic Laboratories, Mayo Clinic
Classification: Likely benign. Last evaluated: 2025-11-24. Review status: criteria provided, single submitter. Criteria: ACMG Guidelines, 2015. Collection method: clinical testing. Allele origin: germline. Observed: 4 variant alleles.
Comment: BS1, BP1, BP4

CeGaT Center for Human Genetics Tuebingen
Classification: Likely benign. Last evaluated: 2025-07-01. Review status: criteria provided, single submitter. Criteria: CeGaT Center For Human Genetics Tuebingen Variant Classification Criteria Version 2. Collection method: clinical testing. Allele origin: germline. Affected: yes. Observed: 8 variant alleles.
Comment: VPS13B: BP4, BS2

Blueprint Genetics
Classification: Likely benign. Last evaluated: 2024-10-08. Review status: criteria provided, single submitter. Criteria: ACMG Guidelines, 2015. Collection method: clinical testing. Allele origin: germline.

Athena Diagnostics
Classification: Benign. Last evaluated: 2024-07-30. Review status: criteria provided, single submitter. Criteria: Athena Diagnostics Criteria. Collection method: clinical testing. Allele origin: unknown.

Genome-Nilou Lab
Classification: Uncertain significance for Cohen syndrome. Last evaluated: 2021-05-18. Review status: criteria provided, single submitter. Criteria: ACMG Guidelines, 2015. Collection method: clinical testing. Allele origin: germline. Affected: no.

New York Genome Center
Classification: Uncertain significance for Cohen syndrome. Last evaluated: 2020-12-22. Review status: criteria provided, single submitter. Criteria: NYGC Assertion Criteria 2020. Collection method: clinical testing. Allele origin: germline. Observed: 1 heterozygote.

Institute of Human Genetics, University of Leipzig Medical Center
Classification: Likely benign for Cohen syndrome. Last evaluated: 2019-01-01. Review status: criteria provided, single submitter. Criteria: ACMG Guidelines, 2015. Collection method: clinical testing. Allele origin: unknown. Affected: yes.

Ambry Genetics
Classification: Likely benign for Inborn genetic diseases. Last evaluated: 2018-09-19. Review status: criteria provided, single submitter. Criteria: Ambry Variant Classification Scheme 2023. Collection method: clinical testing. Allele origin: germline.

Genetic Services Laboratory, University of Chicago
Classification: Benign. Last evaluated: 2018-01-23. Review status: criteria provided, single submitter. Criteria: ACMG Guidelines, 2015. Collection method: clinical testing. Allele origin: germline. Affected: no.

Illumina Laboratory Services, Illumina
Classification: Uncertain significance for Cohen syndrome. Last evaluated: 2018-01-13. Review status: criteria provided, single submitter. Criteria: ICSL Variant Classification Criteria 13 December 2019. Collection method: clinical testing. Allele origin: germline.

Fulgent Genetics
Classification: Uncertain significance for Cohen syndrome. Last evaluated: 2017-05-23. Review status: criteria provided, single submitter. Criteria: ACMG Guidelines, 2015. Collection method: clinical testing. Allele origin: unknown.

Eurofins Ntd Llc (ga)
Classification: Likely benign. Last evaluated: 2016-12-16. Review status: criteria provided, single submitter. Criteria: EGL Classification Definitions 2015. Collection method: clinical testing. Allele origin: germline. Observed: 4 variant alleles, 4 heterozygotes.

Natera, Inc.
Classification: Likely benign for Cohen syndrome. Last evaluated: 2020-06-05. Review status: no assertion criteria provided. Collection method: clinical testing. Allele origin: germline. Not counted in ClinVar's aggregate classification.

Clinical Genetics DNA and cytogenetics Diagnostics Lab, Erasmus MC, Erasmus Medical Center
Classification: Benign. Review status: no assertion criteria provided. Collection method: clinical testing. Allele origin: germline. Affected: yes. Study: VKGL Data-share Consensus. Not counted in ClinVar's aggregate classification.

Clinical Genetics, Academic Medical Center
Classification: Likely benign. Review status: no assertion criteria provided. Collection method: clinical testing. Allele origin: germline. Affected: yes. Study: VKGL Data-share Consensus. Not counted in ClinVar's aggregate classification.

Literature cited by the submitters: PubMed 32483926 (cited by Mayo Clinic Laboratories, Mayo Clinic).

NM_152564.5(VPS13B):c.8570C>T (p.Pro2857Leu)

Gene: VPS13B (vacuolar protein sorting 13 homolog B; plus strand). Cytogenetic location: 8q22.2.
Variant type: single nucleotide variant.
Coding change: c.8570C>T on transcript NM_152564.5 (MANE Select); coding-DNA position 8570, C replaced by T.
Protein change: p.Pro2857Leu; replaces proline 2857 with leucine.
Molecular consequence: missense variant.
Genome position (GRCh38, 1-based): chr8:99,818,837, C>T. VCF-style: chr8-99818837-C-T. GRCh37 (hg19) VCF-style: chr8-100831065-C-T.
Other names: c.8645C>T, p.Pro2882Leu (NM_017890.5); short protein forms P2857L.
Identifiers: ClinVar variation 95872 (VCV000095872.94), dbSNP rs145890213, ClinGen allele CA223505.